The following is an entry in ClinVar:

NM_001374353.1(GLI2):c.2243-4G>A

Gene: GLI2 (GLI family zinc finger 2; plus strand). Cytogenetic location: 2q14.2.
Variant type: single nucleotide variant.
Coding change: c.2243-4G>A on transcript NM_001374353.1 (MANE Select); 4 bases into the intron before coding-DNA position 2243, G replaced by A.
Molecular consequence: intron variant.
Genome position (GRCh38, 1-based): chr2:120,988,204, G>A. VCF-style: chr2-120988204-G-A. GRCh37 (hg19) VCF-style: chr2-121745780-G-A.
Other names: c.2294-4G>A (NM_001371271.1, NM_005270.5); c.1868-4G>A (NM_001374354.1).
Identifiers: ClinVar variation 723551 (VCV000723551.10), dbSNP rs568001894, ClinGen allele CA1852194.

ClinVar aggregate classification (germline): Benign/Likely benign. Review status: criteria provided, multiple submitters, no conflicts (2 of 4 stars). 3 submissions from 3 submitters: Benign (1); Likely benign (2). Last evaluated 2026-07-01.

Conditions:
Holoprosencephaly 9 (HPE9). Also called: PITUITARY ANOMALIES WITH HOLOPROSENCEPHALY-LIKE FEATURES; HOLOPROSENCEPHALY WITH MICROPHTHALMIA AND FIRST BRANCHIAL ARCH ANOMALIES. Identifiers: Orphanet 2162, MedGen C1835819, MONDO:0012563, OMIM 610829.
Postaxial polydactyly-anterior pituitary anomalies-facial dysmorphism syndrome. Also called: Culler-Jones syndrome. Identifiers: Orphanet 420584, MedGen C4014479, MONDO:0014369, OMIM 615849.

Allele frequency attached by ClinVar (database versions not stated): gnomAD 0.00003 and 0.00002; gnomAD exomes 0.00007 and 0.00023; TOPMed 0.00010; 1000 Genomes Project 30x 0.00016; ExAC 0.00027; 1000 Genomes Project 0.00040.
gnomAD v4.1: 100 of 1,585,178 alleles (0.0063%); highest among the groups gnomAD compares: South Asian, 0.075%; no homozygotes.

Submissions (3):

CeGaT Center for Human Genetics Tuebingen
Classification: Likely benign. Last evaluated: 2026-07-01. Review status: criteria provided, single submitter. Criteria: CeGaT Center For Human Genetics Tuebingen Variant Classification Criteria Version 2. Collection method: clinical testing. Allele origin: germline. Affected: yes. Observed: 1 variant allele.
Comment: GLI2: BP4

Labcorp Genetics (formerly Invitae), Labcorp
Classification: Benign for Postaxial polydactyly-anterior pituitary anomalies-facial dysmorphism syndrome; Holoprosencephaly 9. Last evaluated: 2023-07-22. Review status: criteria provided, single submitter. Criteria: Invitae Variant Classification Sherloc (09022015). Collection method: clinical testing. Allele origin: germline.

Blueprint Genetics
Classification: Likely benign. Last evaluated: 2022-06-06. Review status: criteria provided, single submitter. Criteria: ACMG Guidelines, 2015. Collection method: clinical testing. Allele origin: germline.